The following is an entry in ClinVar:

ClinVar aggregate classification (germline): Benign. Review status: criteria provided, single submitter (1 of 4 stars). 2 submissions from 2 submitters: Benign (1). 1 of the submissions does not count toward it. Last evaluated 2026-09-01.

Conditions:
MAPK8IP3-related disorder. Also called: MAPK8IP3-related condition.

Allele frequency attached by ClinVar (database versions not stated): 1000 Genomes Project 30x 0.00437; 1000 Genomes Project 0.00439; TOPMed 0.00582; gnomAD 0.00655 and 0.00658; ESP Exome Variant Server 0.00697; gnomAD exomes 0.00776; ExAC 0.00841.
gnomAD v4.1: 14,431 of 1,612,820 alleles (0.89%); highest among the groups gnomAD compares: Middle Eastern, 1.1%; 77 homozygotes.

Submissions (22):

CeGaT Center for Human Genetics Tuebingen
Classification: Benign. Last evaluated: 2026-09-01. Review status: criteria provided, single submitter. Criteria: CeGaT Center For Human Genetics Tuebingen Variant Classification Criteria Version 2. Collection method: clinical testing. Allele origin: germline. Affected: yes. Observed: 85 variant alleles.
Comment: MAPK8IP3: BP4, BP7, BS1, BS2

PreventionGenetics, part of Exact Sciences
Classification: Benign for MAPK8IP3-related condition. Last evaluated: 2019-12-09. Review status: no assertion criteria provided. Collection method: clinical testing. Allele origin: germline. Not counted in ClinVar's aggregate classification.
Comment: This variant is classified as benign based on ACMG/AMP sequence variant interpretation guidelines (Richards et al. 2015 PMID: 25741868, with internal and published modifications).

Dr. Peter K. Rogan Lab, Western University
No classification provided (evidence only). Condition: Clear cell carcinoma of kidney. Review status: no classification provided. Collection method: in vitro. Allele origin: not applicable. Functional consequence: retained intron. Not counted in ClinVar's aggregate classification.

Dr. Peter K. Rogan Lab, Western University
No classification provided (evidence only). Condition: Melanoma. Review status: no classification provided. Collection method: in vitro. Allele origin: not applicable. Functional consequence: retained intron. Not counted in ClinVar's aggregate classification.

Dr. Peter K. Rogan Lab, Western University
No classification provided (evidence only). Condition: Melanoma. Review status: no classification provided. Collection method: in vitro. Allele origin: not applicable. Functional consequence: retained intron. Not counted in ClinVar's aggregate classification.

Dr. Peter K. Rogan Lab, Western University
No classification provided (evidence only). Condition: Acute myeloid leukemia. Review status: no classification provided. Collection method: in vitro. Allele origin: not applicable. Functional consequence: retained intron. Not counted in ClinVar's aggregate classification.

Dr. Peter K. Rogan Lab, Western University
No classification provided (evidence only). Condition: Acute myeloid leukemia. Review status: no classification provided. Collection method: in vitro. Allele origin: not applicable. Functional consequence: retained intron. Not counted in ClinVar's aggregate classification.

Dr. Peter K. Rogan Lab, Western University
No classification provided (evidence only). Condition: Acute myeloid leukemia. Review status: no classification provided. Collection method: in vitro. Allele origin: not applicable. Functional consequence: retained intron. Not counted in ClinVar's aggregate classification.

Dr. Peter K. Rogan Lab, Western University
No classification provided (evidence only). Condition: Colorectal cancer. Review status: no classification provided. Collection method: in vitro. Allele origin: not applicable. Functional consequence: retained intron. Not counted in ClinVar's aggregate classification.

Dr. Peter K. Rogan Lab, Western University
No classification provided (evidence only). Condition: Thyroid cancer, nonmedullary, 1. Review status: no classification provided. Collection method: in vitro. Allele origin: not applicable. Functional consequence: retained intron. Not counted in ClinVar's aggregate classification.

Dr. Peter K. Rogan Lab, Western University
No classification provided (evidence only). Condition: Thyroid cancer, nonmedullary, 1. Review status: no classification provided. Collection method: in vitro. Allele origin: not applicable. Functional consequence: retained intron. Not counted in ClinVar's aggregate classification.

Dr. Peter K. Rogan Lab, Western University
No classification provided (evidence only). Condition: Thyroid cancer, nonmedullary, 1. Review status: no classification provided. Collection method: in vitro. Allele origin: not applicable. Functional consequence: retained intron. Not counted in ClinVar's aggregate classification.

Dr. Peter K. Rogan Lab, Western University
No classification provided (evidence only). Condition: Cervical cancer. Review status: no classification provided. Collection method: in vitro. Allele origin: not applicable. Functional consequence: retained intron. Not counted in ClinVar's aggregate classification.

Dr. Peter K. Rogan Lab, Western University
No classification provided (evidence only). Condition: Sarcoma. Review status: no classification provided. Collection method: in vitro. Allele origin: not applicable. Functional consequence: retained intron. Not counted in ClinVar's aggregate classification.

Dr. Peter K. Rogan Lab, Western University
No classification provided (evidence only). Condition: Hepatocellular carcinoma. Review status: no classification provided. Collection method: in vitro. Allele origin: not applicable. Functional consequence: retained intron. Not counted in ClinVar's aggregate classification.

Dr. Peter K. Rogan Lab, Western University
No classification provided (evidence only). Condition: Nonpapillary renal cell carcinoma. Review status: no classification provided. Collection method: in vitro. Allele origin: not applicable. Functional consequence: skipped exon. Not counted in ClinVar's aggregate classification.

Dr. Peter K. Rogan Lab, Western University
No classification provided (evidence only). Condition: Ovarian serous cystadenocarcinoma. Review status: no classification provided. Collection method: in vitro. Allele origin: not applicable. Functional consequence: retained intron. Not counted in ClinVar's aggregate classification.

Dr. Peter K. Rogan Lab, Western University
No classification provided (evidence only). Condition: Ovarian serous cystadenocarcinoma. Review status: no classification provided. Collection method: in vitro. Allele origin: not applicable. Functional consequence: retained intron. Not counted in ClinVar's aggregate classification.

Dr. Peter K. Rogan Lab, Western University
No classification provided (evidence only). Condition: Ovarian serous cystadenocarcinoma. Review status: no classification provided. Collection method: in vitro. Allele origin: not applicable. Functional consequence: retained intron. Not counted in ClinVar's aggregate classification.

Dr. Peter K. Rogan Lab, Western University
No classification provided (evidence only). Condition: Gastric cancer. Review status: no classification provided. Collection method: in vitro. Allele origin: not applicable. Functional consequence: retained intron. Not counted in ClinVar's aggregate classification.

Dr. Peter K. Rogan Lab, Western University
No classification provided (evidence only). Condition: Malignant tumor of esophagus. Review status: no classification provided. Collection method: in vitro. Allele origin: not applicable. Functional consequence: retained intron. Not counted in ClinVar's aggregate classification.

Dr. Peter K. Rogan Lab, Western University
No classification provided (evidence only). Condition: Malignant tumor of esophagus. Review status: no classification provided. Collection method: in vitro. Allele origin: not applicable. Functional consequence: retained intron. Not counted in ClinVar's aggregate classification.

NM_001318852.2(MAPK8IP3):c.2955G>A (p.Ser985=)

Gene: MAPK8IP3 (mitogen-activated protein kinase 8 interacting protein 3; plus strand). Cytogenetic location: 16p13.3.
Variant type: single nucleotide variant.
Coding change: c.2955G>A on transcript NM_001318852.2 (MANE Select); coding-DNA position 2955, G replaced by A.
Protein change: p.Ser985=; no amino-acid change (serine 985 retained).
Molecular consequence: synonymous variant.
Genome position (GRCh38, 1-based): chr16:1,766,738, G>A. VCF-style: chr16-1766738-G-A. GRCh37 (hg19) VCF-style: chr16-1816739-G-A.
Other names: NC_000016.9:g.1816739G>A; c.2934G>A, p.Ser978= (NM_001040439.2); c.2952G>A, p.Ser984= (NM_015133.5, NM_033392.3); c.2955G>A (NM_001318852.1).
Identifiers: ClinVar variation 1694773 (VCV001694773.32), dbSNP rs117342699, ClinGen allele CA7817490.